The following is an entry in ClinVar:

NM_000525.4(KCNJ11):c.314G>T (p.Gly105Val)

Gene: KCNJ11 (potassium inwardly rectifying channel subfamily J member 11; minus strand). Cytogenetic location: 11p15.1.
Variant type: single nucleotide variant.
Coding change: c.314G>T on transcript NM_000525.4 (MANE Select); coding-DNA position 314, G replaced by T.
Protein change: p.Gly105Val; replaces glycine 105 with valine.
Molecular consequence: missense variant.
Genome position (GRCh38, 1-based): chr11:17,387,778, C>A on the plus strand (G>T on the coding strand, the complement: KCNJ11 is on the minus strand). VCF-style: chr11-17387778-C-A. GRCh37 (hg19) VCF-style: chr11-17409325-C-A.
Other names: c.53G>T, p.Gly18Val (NM_001166290.2, NM_001377296.1, NM_001377297.1); short protein forms G105V, G18V.
Identifiers: ClinVar variation 4056839 (VCV004056839.1).

ClinVar aggregate classification (germline): Uncertain significance (1 of 4 stars; one submission).

Submission:

GeneDx
Classification: Uncertain significance. Last evaluated: 2024-12-31. Review status: criteria provided, single submitter. Criteria: GeneDx Variant Classification Process June 2021. Collection method: clinical testing. Allele origin: germline. Affected: yes.
Comment: Not observed at significant frequency in large population cohorts (gnomAD); In silico analysis supports that this missense variant has a deleterious effect on protein structure/function; Has not been previously published as pathogenic or benign to our knowledge